The following is an entry in ClinVar:

ClinVar aggregate classification (germline): Conflicting classifications of pathogenicity. Review status: criteria provided, conflicting classifications (1 of 4 stars). 2 submissions from 2 submitters: Uncertain significance (1); Likely benign (1). Last evaluated 2018-06-05.

Allele frequency attached by ClinVar (database versions not stated): ExAC 0.00001; gnomAD exomes 0.00001 and 0.00003; gnomAD 0.00004; TOPMed 0.00005.
gnomAD v4.1: 17 of 1,613,496 alleles (0.0011%); highest among the groups gnomAD compares: East Asian, 0.038%; no homozygotes.

Submissions (2):

Laboratory for Molecular Medicine, Mass General Brigham Personalized Medicine
Classification: Likely benign. Last evaluated: 2018-06-05. Review status: criteria provided, single submitter. Criteria: LMM Criteria. Collection method: clinical testing. Allele origin: germline. Observed: 1 variant allele.
Comment: proposed classification - variant undergoing re-assessment, contact laboratory

Biesecker Lab/Clinical Genomics Section, National Institutes of Health
Classification: Uncertain significance. Last evaluated: 2013-06-24. Review status: criteria provided, single submitter. Criteria: Ng et al. (Circ Cardiovasc Genet. 2013). Collection method: research. Allele origin: unknown. Observed: 1 variant allele. Study: ClinSeq.
Comment: The study set was not selected for affection status in relation to any cancer. Pathogenicity categories were based on literature curation. See Pubmed ID:23861362 for details.

Medical sequencing

NM_001267550.2(TTN):c.16480G>A (p.Gly5494Arg)

Gene: TTN (titin; minus strand). Cytogenetic location: 2q31.2.
Variant type: single nucleotide variant.
Coding change: c.16480G>A on transcript NM_001267550.2 (MANE Select); coding-DNA position 16480, G replaced by A.
Protein change: p.Gly5494Arg; replaces glycine 5494 with arginine.
Molecular consequence: missense variant. On other transcripts: intron variant (3).
Genome position (GRCh38, 1-based): chr2:178,732,581, C>T on the plus strand (G>A on the coding strand, the complement: TTN is on the minus strand). VCF-style: chr2-178732581-C-T. GRCh37 (hg19) VCF-style: chr2-179597308-C-T.
Other names: c.12748G>A, p.Gly4250Arg (NM_133378.4); c.15529G>A, p.Gly5177Arg (NM_001256850.1); c.13282+5501G>A (NM_003319.4); c.13858+5501G>A (NM_133437.4); c.13657+5501G>A (NM_133432.3); short protein forms G4250R, G5494R, G5177R.
Identifiers: ClinVar variation 179189 (VCV000179189.5), dbSNP rs727504697, ClinGen allele CA183916.
Genomic context (GRCh38, chr2:178,732,581, plus strand): 5'-TTTTTACTAAATAGAGTTCCAGGGAACTCTCTAAAGCTTCTTTGGTAATATAGCAGCTTC[C>T]ACCAGAAACCAGCTCTTTGTTGCCCTTAAACCATCTGATTGTGAGAGGAGTAGATCCTTG-3'
Protein context (NP_001254479.2, residues 5484-5504): FKGNKELVSG[Gly5494Arg]SCYITKEALE